The following is an entry in ClinVar:

ClinVar aggregate classification (germline): Pathogenic/Likely pathogenic. Review status: criteria provided, multiple submitters, no conflicts (2 of 4 stars). 5 submissions from 5 submitters: Pathogenic (3); Likely pathogenic (1). 1 of the submissions does not count toward it. Last evaluated 2023-06-02.

Conditions:
Hereditary cancer-predisposing syndrome. Also called: Neoplastic Syndromes, Hereditary; Tumor predisposition; Hereditary neoplastic syndrome; Hereditary Cancer Syndrome. Identifiers: Orphanet 140162, MedGen C0027672, MeSH D009386, MONDO:0015356.
Renal transitional cell carcinoma. Identifiers: MedGen C1319314, HP:0030409.
Ataxia-telangiectasia-like disorder (ATLD). Identifiers: MedGen C1858391, MONDO:0011457.
Ataxia-telangiectasia-like disorder 1 (ATLD1). Identifiers: Orphanet 251347, MedGen C4012790, MONDO:0024557, OMIM 604391.

Allele frequency attached by ClinVar (database versions not stated): TOPMed below 0.00001.
gnomAD v4.1: 23 of 1,611,548 alleles (0.0014%); highest among the groups gnomAD compares: Admixed American, 0.0017%; no homozygotes.

Submissions (5):

Labcorp Genetics (formerly Invitae), Labcorp
Classification: Pathogenic for Ataxia-telangiectasia-like disorder. Last evaluated: 2023-06-02. Review status: criteria provided, single submitter. Criteria: Invitae Variant Classification Sherloc (09022015). Collection method: clinical testing. Allele origin: germline.
Comment: ClinVar contains an entry for this variant (Variation ID: 825924). For these reasons, this variant has been classified as Pathogenic. Algorithms developed to predict the effect of sequence changes on RNA splicing suggest that this variant may disrupt the consensus splice site. This variant has not been reported in the literature in individuals affected with MRE11-related conditions. This variant is not present in population databases (gnomAD no frequency). This sequence change creates a premature translational stop signal (p.Arg191*) in the MRE11 gene. It is expected to result in an absent or disrupted protein product. Loss-of-function variants in MRE11 are known to be pathogenic (PMID: 23080121, 23912341).

Baylor Genetics
Classification: Likely pathogenic for Ataxia-telangiectasia-like disorder 1. Last evaluated: 2022-11-10. Review status: criteria provided, single submitter. Criteria: ACMG Guidelines, 2015. Collection method: clinical testing. Allele origin: unknown.

Ambry Genetics
Classification: Pathogenic for Hereditary cancer-predisposing syndrome. Last evaluated: 2022-11-08. Review status: criteria provided, single submitter. Criteria: Ambry Variant Classification Scheme 2023. Collection method: clinical testing. Allele origin: germline.
Comment: The p.R191* pathogenic mutation (also known as c.571C>T), located in coding exon 6 of the MRE11A gene, results from a C to T substitution at nucleotide position 571. This changes the amino acid from an arginine to a stop codon within coding exon 6. This alteration is expected to result in loss of function by premature protein truncation or nonsense-mediated mRNA decay. As such, this alteration is interpreted as a disease-causing mutation.

Lifecell International Pvt. Ltd
Classification: Pathogenic for Ataxia-telangiectasia-like disorder 1. Review status: criteria provided, single submitter. Criteria: ACMG Guidelines, 2015. Collection method: clinical testing. Allele origin: germline. Inheritance: Autosomal recessive inheritance. Affected: yes. Observed: 1 compound heterozygote.
Comment: A Heterozygous Nonsense variant c.571C>T in Exon 7 of the MRE11 gene that results in the amino acid substitution p.Arg191* was identified The observed variant is novel in gnomAD exomes and genomes, respectively. The severity of the impact of this variant on the protein is high, based on the effect of the protein and REVEL score. Rare Exome Variant Ensemble Learner (REVEL) is an ensembl method for predicting the pathogenicity of missense variants based on a combination of scores from 13 individual tools: MutPred, FATHMM v2.3, VEST 3.0, PolyPhen-2, SIFT, PROVEAN, MutationAssessor, MutationTaster, LRT, GERP++, SiPhy, phyloP, and phastCons. The REVEL score for an individual missense variant can range from 0 to 1, with higher scores reflecting greater likelihood that the variant is disease-causing. ClinVar has also classified this variant as Pathogenic (Variant ID: 825924). The observed variant has previously been reported in the patient affected with ataxia (Limbo O et al 2012) . Based on the above evidence this variant has been classified as Pathogenic according to the ACMG guidelines.

Medical Genetics Laboratory, Umraniye Training and Research Hospital, University of Health Sciences
Classification: Pathogenic for Renal transitional cell carcinoma. Last evaluated: 2021-08-08. Review status: no assertion criteria provided. Collection method: clinical testing. Allele origin: germline. Inheritance: Autosomal dominant inheritance. Affected: yes. Observed: 1 variant allele, 1 heterozygote. Not counted in ClinVar's aggregate classification.

Literature cited by the submitters: PubMed 23080121 (cited by Labcorp Genetics (formerly Invitae), Labcorp and Lifecell International Pvt. Ltd); PubMed 23912341 (cited by Labcorp Genetics (formerly Invitae), Labcorp).

NM_005591.4(MRE11):c.571C>T (p.Arg191Ter)

Gene: MRE11 (MRE11 double strand break repair nuclease; minus strand). Cytogenetic location: 11q21.
Variant type: single nucleotide variant.
Coding change: c.571C>T on transcript NM_005591.4 (MANE Select); coding-DNA position 571, C replaced by T.
Protein change: p.Arg191Ter; replaces arginine 191 with a stop codon.
Molecular consequence: nonsense.
Genome position (GRCh38, 1-based): chr11:94,476,377, G>A on the plus strand (C>T on the coding strand, the complement: MRE11 is on the minus strand). VCF-style: chr11-94476377-G-A. GRCh37 (hg19) VCF-style: chr11-94209543-G-A.
Other names: c.571C>T, p.Arg191Ter (NM_001330347.2, NM_005590.4); short protein forms R191*.
Identifiers: ClinVar variation 825924 (VCV000825924.18), dbSNP rs1157413766, ClinGen allele CA382376962.
Genomic context (GRCh38, chr11:94,476,377, plus strand): 5'-ACCAAGAGTTCTCATCTTCCTTTGGTCTCAACATTGTTACTTTTTTATTGACAAACATTC[G>A]ATAGAGCCTTTCATCTGGAATGGATCCTGAAATGGACATTACATTATTTTTAAATTGTTT-3'